The following is an entry in ClinVar:

NM_005219.5(DIAPH1):c.3145C>T (p.Arg1049Ter)

Gene: DIAPH1 (diaphanous related formin 1; minus strand). Cytogenetic location: 5q31.3.
Variant type: single nucleotide variant.
Coding change: c.3145C>T on transcript NM_005219.5 (MANE Select); coding-DNA position 3145, C replaced by T.
Protein change: p.Arg1049Ter; replaces arginine 1049 with a stop codon.
Molecular consequence: nonsense.
Genome position (GRCh38, 1-based): chr5:141,528,456, G>A on the plus strand (C>T on the coding strand, the complement: DIAPH1 is on the minus strand). VCF-style: chr5-141528456-G-A. GRCh37 (hg19) VCF-style: chr5-140908023-G-A.
Other names: c.3118C>T, p.Arg1040Ter (NM_001079812.3); c.3145C>T, p.Arg1049Ter (NM_001314007.2); short protein forms R1049*, R1040*.
Identifiers: ClinVar variation 217754 (VCV000217754.7), dbSNP rs863225243, ClinGen allele CA279568.

ClinVar aggregate classification (germline): Pathogenic. Review status: criteria provided, multiple submitters, no conflicts (2 of 4 stars). 6 submissions from 6 submitters: Pathogenic (5). 1 of the submissions does not count toward it. Last evaluated 2025-08-15.

Conditions:
DIAPH1-related disorder. Also called: DIAPH1-related condition.
Deafness. Identifiers: MedGen C0011053.
Progressive microcephaly-seizures-cortical blindness-developmental delay syndrome. Also called: Seizures, cortical blindness, and microcephaly syndrome. Identifiers: Orphanet 477814, MedGen C5567650, MONDO:0014714, OMIM 616632.
Autosomal dominant nonsyndromic hearing loss 1. Also called: DEAFNESS, AUTOSOMAL DOMINANT 1, WITH OR WITHOUT THROMBOCYTOPENIA; KONIGSMARK SYNDROME. Identifiers: Orphanet 90635, MedGen C1852282, MONDO:0007424, OMIM 124900.

gnomAD v4.1: 4 of 1,614,098 alleles (0.00025%); highest among the groups gnomAD compares: Middle Eastern, 0.05%; no homozygotes.

Submissions (6):

GeneDx
Classification: Pathogenic. Last evaluated: 2025-08-15. Review status: criteria provided, single submitter. Criteria: GeneDx Variant Classification Process June 2021. Collection method: clinical testing. Allele origin: germline. Affected: yes.
Comment: Nonsense variant predicted to result in protein truncation or nonsense mediated decay in a gene for which loss of function is a known mechanism of disease; Not observed at significant frequency in large population cohorts (gnomAD); This variant is associated with the following publications: (PMID: 26077850, 26463574, 37644014, 36212620, 31589614, 35060117, 35046417, 37647632)

First Genomix Gene Laboratory, Genetic Diagnostics Department
Classification: Pathogenic for Progressive microcephaly-seizures-cortical blindness-developmental delay syndrome. Last evaluated: 2025-08-01. Review status: criteria provided, single submitter. Criteria: ACMG Guidelines, 2015. Collection method: clinical testing. Allele origin: germline. Inheritance: Autosomal recessive inheritance. Affected: no. Observed: 1 variant allele.

Labcorp Genetics (formerly Invitae), Labcorp
Classification: Pathogenic for Progressive microcephaly-seizures-cortical blindness-developmental delay syndrome; Autosomal dominant nonsyndromic hearing loss 1. Last evaluated: 2025-06-01. Review status: criteria provided, single submitter. Criteria: Invitae Variant Classification Sherloc (09022015). Collection method: clinical testing. Allele origin: germline.
Comment: This sequence change creates a premature translational stop signal (p.Arg1049*) in the DIAPH1 gene. It is expected to result in an absent or disrupted protein product. Loss-of-function variants in DIAPH1 are known to be pathogenic (PMID: 24781755, 26463574). This variant is not present in population databases (gnomAD no frequency). This premature translational stop signal has been observed in individuals with autosomal recessive DIAPH1-related conditions (PMID: 26463574, 36212620). ClinVar contains an entry for this variant (Variation ID: 217754). For these reasons, this variant has been classified as Pathogenic.

PreventionGenetics, part of Exact Sciences
Classification: Pathogenic for DIAPH1-related condition. Last evaluated: 2025-02-08. Review status: criteria provided, single submitter. Criteria: ACMG Guidelines, 2015. Collection method: clinical testing. Allele origin: germline.
Comment: The DIAPH1 c.3145C>T variant is predicted to result in premature protein termination (p.Arg1049*). This variant has been reported in the homozygous state in individuals with DIAPH1-related diseases (see for examples: Yavarna et al. 2015. PubMed ID: 26077850; Al-Maawali et al. 2015. PubMed ID: 26463574). This variant has not been reported in a large population database (gnomAD), indicating this variant is rare. Nonsense variants in DIAPH1 are expected to be pathogenic. This variant is interpreted as pathogenic.

Dubai Health Genomic Medicine Center, Dubai Health
Classification: Pathogenic for Deafness. Last evaluated: 2024-10-04. Review status: criteria provided, single submitter. Criteria: ACMG Guidelines, 2015. Collection method: research. Allele origin: germline. Affected: yes.
Comment: PVS1,PM2,PP1

OMIM
Classification: Pathogenic for SEIZURES, CORTICAL BLINDNESS, AND MICROCEPHALY SYNDROME. Last evaluated: 2015-10-13. Review status: no assertion criteria provided. Collection method: literature only. Allele origin: germline. Not counted in ClinVar's aggregate classification.

Literature cited by the submitters: PubMed 24781755 (cited by Labcorp Genetics (formerly Invitae), Labcorp); PubMed 26463574 (cited by Labcorp Genetics (formerly Invitae), Labcorp and OMIM); PubMed 36212620 (cited by Labcorp Genetics (formerly Invitae), Labcorp).